The following is an entry in ClinVar:

ClinVar aggregate classification (germline): Uncertain significance (1 of 4 stars; one submission).

Conditions:
Autosomal dominant hypocalcemia 1 (HYPOC1). Also called: HYPOCALCEMIA, FAMILIAL. Identifiers: MedGen C3715128, MONDO:0011013, OMIM 601198.
Familial hypocalciuric hypercalcemia (FHH). Also called: Familial benign hypercalcemia. Identifiers: Orphanet 405, MedGen C1809471, MONDO:0018458.

Submission:

Labcorp Genetics (formerly Invitae), Labcorp
Classification: Uncertain significance for Familial hypocalciuric hypercalcemia; Autosomal dominant hypocalcemia 1. Last evaluated: 2021-09-08. Review status: criteria provided, single submitter. Criteria: Invitae Variant Classification Sherloc (09022015). Collection method: clinical testing. Allele origin: germline.
Comment: In summary, the available evidence is currently insufficient to determine the role of this variant in disease. Therefore, it has been classified as a Variant of Uncertain Significance. This sequence change replaces serine with proline at codon 905 of the CASR protein (p.Ser905Pro). The serine residue is highly conserved and there is a moderate physicochemical difference between serine and proline. This variant is not present in population databases (ExAC no frequency). This variant has not been reported in the literature in individuals affected with CASR-related conditions. Algorithms developed to predict the effect of missense changes on protein structure and function are either unavailable or do not agree on the potential impact of this missense change (SIFT: "Deleterious"; PolyPhen-2: "Benign"; Align-GVGD: "Class C65").

NM_000388.4(CASR):c.2713T>C (p.Ser905Pro)

Gene: CASR (calcium sensing receptor; plus strand). Cytogenetic location: 3q21.1.
Variant type: single nucleotide variant.
Coding change: c.2713T>C on transcript NM_000388.4 (MANE Select); coding-DNA position 2713, T replaced by C.
Protein change: p.Ser905Pro; replaces serine 905 with proline.
Molecular consequence: missense variant.
Genome position (GRCh38, 1-based): chr3:122,284,667, T>C. VCF-style: chr3-122284667-T-C. GRCh37 (hg19) VCF-style: chr3-122003514-T-C.
Other names: c.2743T>C, p.Ser915Pro (NM_001178065.2); short protein forms S905P, S915P.
Identifiers: ClinVar variation 1057717 (VCV001057717.7), dbSNP rs2107651054, ClinGen allele CA354160609.